The following is an entry in ClinVar:

ClinVar aggregate classification (germline): Likely benign (1 of 4 stars; one submission).

Allele frequency attached by ClinVar (database versions not stated): TOPMed 0.00003; gnomAD 0.00005.
gnomAD v4.1: 72 of 1,551,526 alleles (0.0046%); highest among the groups gnomAD compares: African/African-American, 0.0055%; no homozygotes.

Submission:

CeGaT Center for Human Genetics Tuebingen
Classification: Likely benign. Last evaluated: 2022-11-01. Review status: criteria provided, single submitter. Criteria: CeGaT Center For Human Genetics Tuebingen Variant Classification Criteria Version 2. Collection method: clinical testing. Allele origin: germline. Affected: yes. Observed: 1 variant allele.
Comment: DNHD1: BP4, BP7

NM_144666.3(DNHD1):c.9462C>T (p.His3154=)

Gene: DNHD1 (dynein heavy chain domain 1; plus strand). Cytogenetic location: 11p15.4.
Variant type: single nucleotide variant.
Coding change: c.9462C>T on transcript NM_144666.3 (MANE Select); coding-DNA position 9462, C replaced by T.
Protein change: p.His3154=; no amino-acid change (histidine 3154 retained).
Molecular consequence: synonymous variant.
Genome position (GRCh38, 1-based): chr11:6,559,226, C>T. VCF-style: chr11-6559226-C-T. GRCh37 (hg19) VCF-style: chr11-6580456-C-T.
Identifiers: ClinVar variation 2641551 (VCV002641551.24), dbSNP rs905097132, ClinGen allele CA217323390.